The following is an entry in ClinVar:

ClinVar aggregate classification (germline): Uncertain significance. Review status: criteria provided, multiple submitters, no conflicts (2 of 4 stars). 3 submissions from 3 submitters: Uncertain significance (3). Last evaluated 2022-08-08.

Conditions:
Inborn genetic diseases. Identifiers: MedGen C0950123, MeSH D030342.

Allele frequency attached by ClinVar (database versions not stated): gnomAD exomes 0.00005; ExAC 0.00006; gnomAD 0.00003.
gnomAD v4.1: 76 of 1,613,906 alleles (0.0047%); highest among the groups gnomAD compares: South Asian, 0.08%; 4 homozygotes.

Submissions (3):

Ambry Genetics
Classification: Uncertain significance for Inborn genetic diseases. Last evaluated: 2022-08-08. Review status: criteria provided, single submitter. Criteria: Ambry Variant Classification Scheme 2023. Collection method: clinical testing. Allele origin: germline.

Labcorp Genetics (formerly Invitae), Labcorp
Classification: Uncertain significance. Last evaluated: 2022-07-22. Review status: criteria provided, single submitter. Criteria: Invitae Variant Classification Sherloc (09022015). Collection method: clinical testing. Allele origin: germline.
Comment: This sequence change replaces histidine, which is basic and polar, with tyrosine, which is neutral and polar, at codon 1709 of the PCDH15 protein (p.His1709Tyr). This variant is present in population databases (rs764626570, gnomAD 0.05%). This variant has not been reported in the literature in individuals affected with PCDH15-related conditions. Algorithms developed to predict the effect of missense changes on protein structure and function are either unavailable or do not agree on the potential impact of this missense change (SIFT: "Deleterious"; PolyPhen-2: "Benign"; Align-GVGD: "Class C0"). In summary, the available evidence is currently insufficient to determine the role of this variant in disease. Therefore, it has been classified as a Variant of Uncertain Significance.

Blueprint Genetics
Classification: Uncertain significance. Last evaluated: 2021-08-25. Review status: criteria provided, single submitter. Criteria: ACMG Guidelines, 2015. Collection method: clinical testing. Allele origin: germline.

NM_033056.4(PCDH15):c.5125C>T (p.His1709Tyr)

Gene: PCDH15 (protocadherin related 15; minus strand). Cytogenetic location: 10q21.1.
Variant type: single nucleotide variant.
Coding change: c.5125C>T on transcript NM_033056.4 (MANE Plus Clinical); coding-DNA position 5125, C replaced by T.
Protein change: p.His1709Tyr; replaces histidine 1709 with tyrosine.
Molecular consequence: missense variant. On other transcripts: intron variant (8).
Genome position (GRCh38, 1-based): chr10:53,822,601, G>A on the plus strand (C>T on the coding strand, the complement: PCDH15 is on the minus strand). VCF-style: chr10-53822601-G-A. GRCh37 (hg19) VCF-style: chr10-55582361-G-A.
Other names: c.4373+2535C>T (NM_001142772.2, NM_001142770.3); c.4388+2535C>T (NM_001142771.2); c.4388+4792C>T (NM_001354411.2); c.4409+2535C>T (NM_001142769.3); c.5146C>T, p.His1716Tyr (NM_001142763.2); c.5131C>T, p.His1711Tyr (NM_001142764.2); c.4918C>T, p.His1640Tyr (NM_001142765.2); c.5116C>T, p.His1706Tyr (NM_001142766.2); and 7 more; short protein forms H1640Y, H1716Y, H1687Y, H1689Y, H1711Y, H1686Y, H1706Y, H1709Y.
Identifiers: ClinVar variation 2164287 (VCV002164287.3), dbSNP rs764626570, ClinGen allele CA5505122.